The following is an entry in ClinVar:

ClinVar aggregate classification (germline): Conflicting classifications of pathogenicity. Review status: criteria provided, conflicting classifications (1 of 4 stars). 2 submissions from 2 submitters: Uncertain significance (1); Likely benign (1). Last evaluated 2025-07-15.

Conditions:
Hereditary cancer-predisposing syndrome. Also called: Neoplastic Syndromes, Hereditary; Tumor predisposition; Hereditary Cancer Syndrome; Hereditary neoplastic syndrome. Identifiers: Orphanet 140162, MedGen C0027672, MeSH D009386, MONDO:0015356.
Familial cancer of breast. Also called: hereditary breast carcinoma; Hereditary breast cancer; BREAST CANCER, FAMILIAL. Identifiers: Orphanet 227535, MedGen C0346153, MONDO:0016419, OMIM 114480. Disease mechanism: loss of function.

Submissions (2):

Ambry Genetics
Classification: Uncertain significance for Hereditary cancer-predisposing syndrome. Last evaluated: 2025-07-15. Review status: criteria provided, single submitter. Criteria: Ambry Variant Classification Scheme 2023. Collection method: clinical testing. Allele origin: germline.
Comment: The c.70_73delCCCGinsTCCC variant (also known as p.P24_A25delinsSP), located in coding exon 1 of the BARD1 gene, results from an in-frame deletion of CCCG and insertion of TCCC at nucleotide positions 70 to 73. This results in the substitution of a proline and alanine residue for a serine and proline residue at codons 24 to 25. This amino acid region is not well conserved in available vertebrate species. In addition, this variant is predicted to be neutral by in silico analysis (Choi Y et al. PLoS ONE. 2012; 7(10):e46688). Based on the available evidence, the clinical significance of this variant remains unclear.

Myriad Genetics, Inc.
Classification: Likely benign for Familial cancer of breast. Last evaluated: 2024-07-18. Review status: criteria provided, single submitter. Criteria: Myriad Autosomal Dominant, Autosomal Recessive and X-Linked Classification Criteria (2023). Collection method: clinical testing. Allele origin: unknown.
Comment: This variant is considered likely benign. This variant is strongly associated with less severe personal and family histories of cancer, typical for individuals without pathogenic variants in this gene [PMID: 25085752].

Literature cited by the submitters: PubMed 25085752 (cited by Myriad Genetics, Inc.).

NM_000465.4(BARD1):c.70_73delinsTCCC (p.Pro24_Ala25delinsSerPro)

Gene: BARD1 (BRCA1 associated RING domain 1; minus strand). Cytogenetic location: 2q35.
Variant type: Indel.
Coding change: c.70_73delinsTCCC on transcript NM_000465.4 (MANE Select); coding-DNA positions 70 to 73, CCCG replaced by TCCC.
Protein change: p.Pro24_Ala25delinsSerPro.
Molecular consequence: missense variant. On other transcripts: non-coding transcript variant (3).
Genome position (GRCh38, 1-based): chr2:214,809,497-214,809,500, CGGG replaced by GGGA on the plus strand (CCCG replaced by TCCC on the coding strand, the reverse complement: BARD1 is on the minus strand). VCF-style: chr2-214809497-CGGG-GGGA. GRCh37 (hg19) VCF-style: chr2-215674221-CGGG-GGGA.
Other names: c.70_73delCCCGinsTCCC (NM_000465.2); c.70_73delinsTCCC, p.Pro24_Ala25delinsSerPro (NM_001282543.2, NM_001282545.2, NM_001282548.2 and 1 more transcripts).
Identifiers: ClinVar variation 3378453 (VCV003378453.2).